The following is an entry in ClinVar:

NM_001385.3(DPYS):c.418G>A (p.Asp140Asn)

Gene: DPYS (dihydropyrimidinase; minus strand). Cytogenetic location: 8q22.3.
Variant type: single nucleotide variant.
Coding change: c.418G>A on transcript NM_001385.3 (MANE Select); coding-DNA position 418, G replaced by A.
Protein change: p.Asp140Asn; replaces aspartic acid 140 with asparagine.
Molecular consequence: missense variant.
Genome position (GRCh38, 1-based): chr8:104,451,251, C>T on the plus strand (G>A on the coding strand, the complement: DPYS is on the minus strand). VCF-style: chr8-104451251-C-T. GRCh37 (hg19) VCF-style: chr8-105463479-C-T.
Other names: c.418G>A (NM_001385.2); short protein forms D140N.
Identifiers: ClinVar variation 1382269 (VCV001382269.7), dbSNP rs370968463, ClinGen allele CA4838582.

ClinVar aggregate classification (germline): Uncertain significance. Review status: criteria provided, multiple submitters, no conflicts (2 of 4 stars). 3 submissions from 3 submitters: Uncertain significance (3). Last evaluated 2025-09-01.

Conditions:
Inborn genetic diseases. Identifiers: MedGen C0950123, MeSH D030342.

Allele frequency attached by ClinVar (database versions not stated): gnomAD exomes 0.00003 and 0.00005; gnomAD 0.00005 and 0.00006; TOPMed 0.00005; ExAC 0.00006; ESP Exome Variant Server 0.00023.

Submissions (3):

Ambry Genetics
Classification: Uncertain significance for Inborn genetic diseases. Last evaluated: 2025-09-01. Review status: criteria provided, single submitter. Criteria: Ambry Variant Classification Scheme 2023. Collection method: clinical testing. Allele origin: germline.

Blueprint Genetics
Classification: Uncertain significance. Last evaluated: 2024-08-28. Review status: criteria provided, single submitter. Criteria: ACMG Guidelines, 2015. Collection method: clinical testing. Allele origin: germline.

Labcorp Genetics (formerly Invitae), Labcorp
Classification: Uncertain significance. Last evaluated: 2022-06-28. Review status: criteria provided, single submitter. Criteria: Invitae Variant Classification Sherloc (09022015). Collection method: clinical testing. Allele origin: germline.
Comment: This variant is present in population databases (rs370968463, gnomAD 0.01%). In summary, the available evidence is currently insufficient to determine the role of this variant in disease. Therefore, it has been classified as a Variant of Uncertain Significance. Algorithms developed to predict the effect of missense changes on protein structure and function (SIFT, PolyPhen-2, Align-GVGD) all suggest that this variant is likely to be tolerated. This variant has not been reported in the literature in individuals affected with DPYS-related conditions. This sequence change replaces aspartic acid, which is acidic and polar, with asparagine, which is neutral and polar, at codon 140 of the DPYS protein (p.Asp140Asn).